The following is an entry in ClinVar:

NM_000059.4(BRCA2):c.5855T>A (p.Leu1952Ter)

Gene: BRCA2 (BRCA2 DNA repair associated; plus strand). Cytogenetic location: 13q13.1.
Variant type: single nucleotide variant.
Coding change: c.5855T>A on transcript NM_000059.4 (MANE Select); coding-DNA position 5855, T replaced by A.
Protein change: p.Leu1952Ter; replaces leucine 1952 with a stop codon.
Molecular consequence: nonsense.
Genome position (GRCh38, 1-based): chr13:32,340,210, T>A. VCF-style: chr13-32340210-T-A. GRCh37 (hg19) VCF-style: chr13-32914347-T-A.
Other names: 6083T>A; short protein forms L1952*.
Identifiers: ClinVar variation 38002 (VCV000038002.19), dbSNP rs375064902, ClinGen allele CA023306.

ClinVar aggregate classification (germline): Pathogenic. Review status: reviewed by expert panel (3 of 4 stars). 7 submissions from 7 submitters: Pathogenic (1). 6 of the submissions do not count toward it. Last evaluated 2016-09-08.

Conditions:
Hereditary cancer-predisposing syndrome. Also called: Tumor predisposition; Neoplastic Syndromes, Hereditary; Hereditary neoplastic syndrome; Hereditary Cancer Syndrome. Identifiers: Orphanet 140162, MedGen C0027672, MeSH D009386, MONDO:0015356.
Hereditary breast ovarian cancer syndrome. Also called: Hereditary breast and ovarian cancer; Hereditary breast and ovarian cancer syndrome (HBOC); Hereditary breast and/or ovarian cancer syndrome; Breast and ovarian cancer; Hereditary breast and ovarian cancer syndrome; BRCA1- and BRCA2-Associated Hereditary Breast and Ovarian Cancer. Identifiers: Orphanet 145, MedGen C0677776, MeSH D061325, MONDO:0003582. Disease mechanism: loss of function.
Breast-ovarian cancer, familial, susceptibility to, 2 (BROVCA2). Also called: BRCA2 Hereditary Breast and Ovarian Cancer. Identifiers: Orphanet 145, MedGen C2675520, MONDO:0012933, OMIM 612555. Disease mechanism: loss of function.

Allele frequency attached by ClinVar (database versions not stated): TOPMed 0.00002; ESP Exome Variant Server 0.00008.

Submissions (7):

Evidence-based Network for the Interpretation of Germline Mutant Alleles (ENIGMA)
Classification: Pathogenic for Breast-ovarian cancer, familial, susceptibility to, 2. Last evaluated: 2016-09-08. Review status: reviewed by expert panel. Criteria: ENIGMA BRCA1/2 Classification Criteria (2015). Collection method: curation. Allele origin: germline.
Comment: Variant allele predicted to encode a truncated non-functional protein.

Ambry Genetics
Classification: Pathogenic for Hereditary cancer-predisposing syndrome. Last evaluated: 2025-10-02. Review status: criteria provided, single submitter. Criteria: Ambry Variant Classification Scheme 2023. Collection method: clinical testing. Allele origin: germline. Not counted in ClinVar's aggregate classification.
Comment: The p.L1952* pathogenic mutation (also known as c.5855T>A), located in coding exon 10 of the BRCA2 gene, results from a T to A substitution at nucleotide position 5855. This changes the amino acid from a leucine to a stop codon within coding exon 10. This variant is considered to be rare based on population cohorts in the Genome Aggregation Database (gnomAD). This alteration is expected to result in loss of function by premature protein truncation or nonsense-mediated mRNA decay. As such, this alteration is interpreted as a disease-causing mutation.

Labcorp Genetics (formerly Invitae), Labcorp
Classification: Pathogenic for Hereditary breast ovarian cancer syndrome. Last evaluated: 2025-07-30. Review status: criteria provided, single submitter. Criteria: Invitae Variant Classification Sherloc (09022015). Collection method: clinical testing. Allele origin: germline. Not counted in ClinVar's aggregate classification.
Comment: This sequence change creates a premature translational stop signal (p.Leu1952*) in the BRCA2 gene. It is expected to result in an absent or disrupted protein product. Loss-of-function variants in BRCA2 are known to be pathogenic (PMID: 20104584). This variant is present in population databases (rs375064902, gnomAD 0.007%). This premature translational stop signal has been observed in individual(s) with increased risk of breast and/or ovarian cancer (PMID: 29446198). ClinVar contains an entry for this variant (Variation ID: 38002). For these reasons, this variant has been classified as Pathogenic.

Laboratory for Molecular Medicine, Mass General Brigham Personalized Medicine
Classification: Likely pathogenic for Hereditary breast ovarian cancer syndrome. Last evaluated: 2023-09-13. Review status: criteria provided, single submitter. Criteria: ACMG Guidelines, 2015. Collection method: clinical testing. Allele origin: germline. Not counted in ClinVar's aggregate classification.
Comment: The p.Leu1952X variant in BRCA2 has been reported in 1 individual with increased risk of breast and/or ovarian cancer (HBOC; Rebbeck 2018 PMID:29446198) and has also been reported by other clinical laboratories in ClinVar (Variant ID 38002). It was absent from large population studies (gnomAD, v.3.1.2). This nonsense variant leads to a premature termination codon at position 1952, which is predicted to lead to a truncated or absent protein. Heterozygous loss of function of the BRCA2 gene is an established disease mechanism in individuals with HBOC. Additionally, this variant was classified as pathogenic on Sept. 08, 2016 by the ClinGen-approved ENIGMA expert panel (ClinVar: SCV000300942.2). In summary, although additional studies are required to fully establish its clinical significance, this variant meets criteria to be classified as likely pathogenic for autosomal dominant HBOC. ACMG/AMP Criteria applied: PVS1, PM2_Supporting.

Consortium of Investigators of Modifiers of BRCA1/2 (CIMBA), c/o University of Cambridge
Classification: Pathogenic for Breast-ovarian cancer, familial, susceptibility to, 2. Last evaluated: 2015-10-02. Review status: criteria provided, single submitter. Criteria: CIMBA Mutation Classification guidelines May 2016. Collection method: clinical testing. Allele origin: germline. Not counted in ClinVar's aggregate classification.

CSER _CC_NCGL, University of Washington
Classification: Likely pathogenic for Hereditary breast and ovarian cancer. Last evaluated: 2014-06-01. Review status: criteria provided, single submitter. Criteria: Amendola et al. (Genome Res. 2015). Collection method: research. Allele origin: germline. Inheritance: Autosomal dominant inheritance. Study: ESP 6500 variant annotation. Not counted in ClinVar's aggregate classification.
Comment: Variants classified for the Actionable exomic incidental findings in 6503 participants: challenges of variant classification manuscript

Sharing Clinical Reports Project (SCRP)
Classification: Pathogenic for Breast-ovarian cancer, familial 2. Last evaluated: 2012-05-01. Review status: no assertion criteria provided. Collection method: clinical testing. Allele origin: germline. Not counted in ClinVar's aggregate classification.

Literature cited by the submitters: PubMed 11920621 (cited by Ambry Genetics); PubMed 20104584 (cited by Labcorp Genetics (formerly Invitae), Labcorp); PubMed 29446198 (cited by Labcorp Genetics (formerly Invitae), Labcorp and Laboratory for Molecular Medicine, Mass General Brigham Personalized Medicine); PubMed 27831900 (cited by Laboratory for Molecular Medicine, Mass General Brigham Personalized Medicine); PubMed 24055113 (cited by Laboratory for Molecular Medicine, Mass General Brigham Personalized Medicine).